The following is an entry in ClinVar:

ClinVar aggregate classification (germline): Uncertain significance. Review status: criteria provided, multiple submitters, no conflicts (2 of 4 stars). 3 submissions from 3 submitters: Uncertain significance (3). Last evaluated 2026-06-11.

Conditions:
Usher syndrome type 1 (USH1). Also called: RETINITIS PIGMENTOSA AND CONGENITAL DEAFNESS. Identifiers: Orphanet 231169, Orphanet 886, MedGen C1568247, MONDO:0010168, OMIM 276900.

Allele frequency attached by ClinVar (database versions not stated): gnomAD exomes below 0.00001.
gnomAD v4.1: 2 of 1,577,750 alleles (0.00013%); highest among the groups gnomAD compares: South Asian, 0.0023%; no homozygotes.

Submissions (3):

Myriad Genetics, Inc.
Classification: Uncertain significance for Usher syndrome type 1. Last evaluated: 2026-06-11. Review status: criteria provided, single submitter. Criteria: Myriad Autosomal Dominant, Autosomal Recessive and X-Linked Classification Criteria (2023). Collection method: clinical testing. Allele origin: unknown.
Comment: NM_000260.3(MYO7A):c.6638G>A(S2213N) is a missense variant classified as a variant of uncertain significance in the context of MYO7A-related disorders. S2213N has not been observed in cases with relevant disease. Relevant functional assessments of this variant are not available in the literature. S2213N has not been observed in referenced population frequency databases. In summary, there is insufficient evidence to classify NM_000260.3(MYO7A):c.6638G>A(S2213N) as pathogenic or benign. Please note: this variant was assessed in the context of healthy population screening.

Labcorp Genetics (formerly Invitae), Labcorp
Classification: Uncertain significance. Last evaluated: 2024-03-04. Review status: criteria provided, single submitter. Criteria: Invitae Variant Classification Sherloc (09022015). Collection method: clinical testing. Allele origin: germline.
Comment: This sequence change replaces serine, which is neutral and polar, with asparagine, which is neutral and polar, at codon 2213 of the MYO7A protein (p.Ser2213Asn). This variant is not present in population databases (gnomAD no frequency). This variant has not been reported in the literature in individuals affected with MYO7A-related conditions. ClinVar contains an entry for this variant (Variation ID: 1408690). Advanced modeling of protein sequence and biophysical properties (such as structural, functional, and spatial information, amino acid conservation, physicochemical variation, residue mobility, and thermodynamic stability) performed at Invitae indicates that this missense variant is not expected to disrupt MYO7A protein function with a negative predictive value of 95%. Algorithms developed to predict the effect of sequence changes on RNA splicing suggest that this variant may create or strengthen a splice site. In summary, the available evidence is currently insufficient to determine the role of this variant in disease. Therefore, it has been classified as a Variant of Uncertain Significance.

Neuberg Centre For Genomic Medicine, NCGM
Classification: Uncertain significance for Usher syndrome type 1. Review status: criteria provided, single submitter. Criteria: ACMG Guidelines, 2015. Collection method: clinical testing. Allele origin: germline. Inheritance: Autosomal recessive inheritance. Affected: yes.
Comment: The observed missense c.6638G>A(p.Ser2213Asn) variant in MYO7A gene has not been reported previously as a pathogenic variant nor a benign variant, to our knowledge. The p.Ser2213Asn variant has been reported with allele frequency of 0% in gnomAD Exomes. This variant has been submitted to the ClinVar database as Uncertain Significance. Multiple lines of computational evidences (Polyphen - Benign, SIFT - Damaging and MutationTaster - Polymorphism) predict conflicting evidence on protein structure and function for this variant. The reference amino acid change at this position on MYO7A gene is predicted as conserved by GERP++ and PhyloP across 100 vertebrates. The amino acid Ser at position 2213 is changed to a Asn changing protein sequence and it might alter its composition and physico-chemical properties. For these reasons, this variant has been classified as a Variant of Uncertain Significance (VUS).

NM_000260.4(MYO7A):c.6638G>A (p.Ser2213Asn)

Gene: MYO7A (myosin VIIA; plus strand). Cytogenetic location: 11q13.5.
Variant type: single nucleotide variant.
Coding change: c.6638G>A on transcript NM_000260.4 (MANE Select); coding-DNA position 6638, G replaced by A.
Protein change: p.Ser2213Asn; replaces serine 2213 with asparagine.
Molecular consequence: missense variant.
Genome position (GRCh38, 1-based): chr11:77,214,686, G>A. VCF-style: chr11-77214686-G-A. GRCh37 (hg19) VCF-style: chr11-76925731-G-A.
Other names: c.6518G>A, p.Ser2173Asn (NM_001127180.2); c.6491G>A, p.Ser2164Asn (NM_001369365.1); short protein forms S2164N, S2213N, S2173N.
Identifiers: ClinVar variation 1408690 (VCV001408690.9), dbSNP rs1470578844, ClinGen allele CA381939520.
Genomic context (GRCh38, chr11:77,214,686, plus strand): 5'-TCCTGACTTCCTACATTAGCCAGATGCTCACAGCCATGAGCAAACAGCGGGGCTCCAGGA[G>A]CGGCAAGTGAACAGTCACGGGGAGGTGCTGGTTCCATGCCTGCTCTCGAGGCAGCAGTGG-3'
Protein context (NP_000251.3, residues 2203-2215): TAMSKQRGSR[Ser2213Asn]GK